The following is an entry in ClinVar:

NM_001378457.1(DMXL2):c.4177C>G (p.Arg1393Gly)

Gene: DMXL2 (Dmx like 2; minus strand). Cytogenetic location: 15q21.2.
Variant type: single nucleotide variant.
Coding change: c.4177C>G on transcript NM_001378457.1 (MANE Select); coding-DNA position 4177, C replaced by G.
Protein change: p.Arg1393Gly; replaces arginine 1393 with glycine.
Molecular consequence: missense variant. On other transcripts: non-coding transcript variant (2), intron variant (2).
Genome position (GRCh38, 1-based): chr15:51,499,047, G>C on the plus strand (C>G on the coding strand, the complement: DMXL2 is on the minus strand). VCF-style: chr15-51499047-G-C. GRCh37 (hg19) VCF-style: chr15-51791244-G-C.
Other names: c.4177C>G (NM_001174116.1); c.4177C>G, p.Arg1393Gly (NM_001174116.3, NM_001378458.1, NM_001378459.1 and 4 more transcripts); c.3937C>G, p.Arg1313Gly (NM_001378464.1); c.2765-7300C>G (NM_001378460.1); c.2765-3913C>G (NM_001174117.3); short protein forms R1313G, R1393G.
Identifiers: ClinVar variation 1912920 (VCV001912920.6), dbSNP rs374821835, ClinGen allele CA270573740.

ClinVar aggregate classification (germline): Uncertain significance. Review status: criteria provided, multiple submitters, no conflicts (2 of 4 stars). 2 submissions from 2 submitters: Uncertain significance (2). Last evaluated 2025-05-20.

Conditions:
Inborn genetic diseases. Identifiers: MedGen C0950123, MeSH D030342.

Allele frequency attached by ClinVar (database versions not stated): ESP Exome Variant Server 0.00008.
gnomAD v4.1: 7 of 1,613,800 alleles (0.00043%); highest among the groups gnomAD compares: Non-Finnish European, 0.00059%; no homozygotes.

Submissions (2):

Ambry Genetics
Classification: Uncertain significance for Inborn genetic diseases. Last evaluated: 2025-05-20. Review status: criteria provided, single submitter. Criteria: Ambry Variant Classification Scheme 2023. Collection method: clinical testing. Allele origin: germline.

Labcorp Genetics (formerly Invitae), Labcorp
Classification: Uncertain significance. Last evaluated: 2023-10-03. Review status: criteria provided, single submitter. Criteria: Invitae Variant Classification Sherloc (09022015). Collection method: clinical testing. Allele origin: germline.
Comment: This sequence change replaces arginine, which is basic and polar, with glycine, which is neutral and non-polar, at codon 1393 of the DMXL2 protein (p.Arg1393Gly). This variant is not present in population databases (gnomAD no frequency). This variant has not been reported in the literature in individuals affected with DMXL2-related conditions. ClinVar contains an entry for this variant (Variation ID: 1912920). An algorithm developed to predict the effect of missense changes on protein structure and function (PolyPhen-2) suggests that this variant is likely to be disruptive. In summary, the available evidence is currently insufficient to determine the role of this variant in disease. Therefore, it has been classified as a Variant of Uncertain Significance.